The following is an entry in ClinVar:

NM_001999.4(FBN2):c.377G>A (p.Arg126His)

Gene: FBN2 (fibrillin 2; minus strand). Cytogenetic location: 5q23.3.
Variant type: single nucleotide variant.
Coding change: c.377G>A on transcript NM_001999.4 (MANE Select); coding-DNA position 377, G replaced by A.
Protein change: p.Arg126His; replaces arginine 126 with histidine.
Molecular consequence: missense variant.
Genome position (GRCh38, 1-based): chr5:128,530,654, C>T on the plus strand (G>A on the coding strand, the complement: FBN2 is on the minus strand). VCF-style: chr5-128530654-C-T. GRCh37 (hg19) VCF-style: chr5-127866347-C-T.
Other names: short protein forms R126H.
Identifiers: ClinVar variation 213434 (VCV000213434.19), dbSNP rs528614556, ClinGen allele CA321481.

ClinVar aggregate classification (germline): Conflicting classifications of pathogenicity. Review status: criteria provided, conflicting classifications (1 of 4 stars). 6 submissions from 6 submitters: Uncertain significance (3); Likely benign (3). Last evaluated 2026-01-11.

Conditions:
Connective tissue disorder. Also called: Connective tissue disease. Identifiers: MedGen C0009782, MONDO:0003900.
Familial thoracic aortic aneurysm and aortic dissection (TAAD). Also called: Thoracic aortic aneurysms and dissections. Identifiers: Orphanet 91387, MedGen C4707243, MONDO:0019625.
Congenital contractural arachnodactyly (CCA). Also called: BEALS SYNDROME; Beals-Hecht syndrome; Arthrogryposis, distal, type 9. Identifiers: Orphanet 115, MedGen C0220668, MONDO:0007363, OMIM 121050.

Allele frequency attached by ClinVar (database versions not stated): gnomAD 0.00003 and 0.00004; TOPMed 0.00009; gnomAD exomes 0.00011; ExAC 0.00012.

Submissions (6):

Labcorp Genetics (formerly Invitae), Labcorp
Classification: Likely benign for Congenital contractural arachnodactyly. Last evaluated: 2026-01-11. Review status: criteria provided, single submitter. Criteria: Invitae Variant Classification Sherloc (09022015). Collection method: clinical testing. Allele origin: germline.

Ambry Genetics
Classification: Uncertain significance for Familial thoracic aortic aneurysm and aortic dissection. Last evaluated: 2024-10-17. Review status: criteria provided, single submitter. Criteria: Ambry Variant Classification Scheme 2023. Collection method: clinical testing. Allele origin: germline.
Comment: The p.R126H variant (also known as c.377G>A), located in coding exon 3 of the FBN2 gene, results from a G to A substitution at nucleotide position 377. The arginine at codon 126 is replaced by histidine, an amino acid with highly similar properties. This amino acid position is highly conserved in available vertebrate species. In addition, this alteration is predicted to be deleterious by in silico analysis. Based on the available evidence, the clinical significance of this variant remains unclear.

Blueprint Genetics
Classification: Likely benign. Last evaluated: 2024-07-18. Review status: criteria provided, single submitter. Criteria: ACMG Guidelines, 2015. Collection method: clinical testing. Allele origin: germline.

Women's Health and Genetics/Laboratory Corporation of America, LabCorp
Classification: Likely benign. Last evaluated: 2023-07-21. Review status: criteria provided, single submitter. Criteria: LabCorp Variant Classification Summary - May 2015. Collection method: clinical testing. Allele origin: germline.

GeneDx
Classification: Uncertain significance. Last evaluated: 2022-09-02. Review status: criteria provided, single submitter. Criteria: GeneDx Variant Classification Process June 2021. Collection method: clinical testing. Allele origin: germline. Affected: yes.
Comment: Has not been previously published as pathogenic or benign to our knowledge; In silico analysis supports that this missense variant has a deleterious effect on protein structure/function; Although located in a calcium-binding EGF-like domain of the FBN2 gene, it does not substitute or introduce a cysteine residue (Callewaert et al., 2009; Frederic et al., 2009); Not located within exons 24-33, where the majority of pathogenic variants reported to date occur (Callewaert et al., 2009, Frederic et al., 2009); This variant is associated with the following publications: (PMID: 19006240, 18767143)

Genome Diagnostics Laboratory, The Hospital for Sick Children
Classification: Uncertain significance for Connective tissue disorder. Last evaluated: 2019-05-01. Review status: criteria provided, single submitter. Criteria: ACMG Guidelines, 2015. Collection method: clinical testing. Allele origin: germline.